The following is an entry in ClinVar:

NM_005061.3(RPL3L):c.99G>A (p.Pro33=)

Gene: RPL3L (ribosomal protein L3 like; minus strand). Cytogenetic location: 16p13.3.
Variant type: single nucleotide variant.
Coding change: c.99G>A on transcript NM_005061.3 (MANE Select); coding-DNA position 99, G replaced by A.
Protein change: p.Pro33=; no amino-acid change (proline 33 retained).
Molecular consequence: synonymous variant.
Genome position (GRCh38, 1-based): chr16:1,954,053, C>T on the plus strand (G>A on the coding strand, the complement: RPL3L is on the minus strand). VCF-style: chr16-1954053-C-T. GRCh37 (hg19) VCF-style: chr16-2004054-C-T.
Identifiers: ClinVar variation 2498638 (VCV002498638.28), dbSNP rs1005258865, ClinGen allele CA276741615.

ClinVar aggregate classification (germline): Likely benign (1 of 4 stars; one submission).

Allele frequency attached by ClinVar (database versions not stated): TOPMed 0.00001.
gnomAD v4.1: 11 of 1,607,066 alleles (0.00068%); highest among the groups gnomAD compares: Admixed American, 0.0051%; no homozygotes.

Submission:

CeGaT Center for Human Genetics Tuebingen
Classification: Likely benign. Last evaluated: 2023-02-01. Review status: criteria provided, single submitter. Criteria: CeGaT Center For Human Genetics Tuebingen Variant Classification Criteria Version 2. Collection method: clinical testing. Allele origin: germline. Affected: yes. Observed: 1 variant allele.
Comment: RPL3L: BP4, BP7